The following is an entry in ClinVar:

NM_173500.4(TTBK2):c.3631C>T (p.Pro1211Ser)

Gene: TTBK2 (tau tubulin kinase 2; minus strand). Cytogenetic location: 15q15.2.
Variant type: single nucleotide variant.
Coding change: c.3631C>T on transcript NM_173500.4 (MANE Select); coding-DNA position 3631, C replaced by T.
Protein change: p.Pro1211Ser; replaces proline 1211 with serine.
Molecular consequence: missense variant.
Genome position (GRCh38, 1-based): chr15:42,745,899, G>A on the plus strand (C>T on the coding strand, the complement: TTBK2 is on the minus strand). VCF-style: chr15-42745899-G-A. GRCh37 (hg19) VCF-style: chr15-43038097-G-A.
Other names: short protein forms P1211S.
Identifiers: ClinVar variation 3612462 (VCV003612462.2).

ClinVar aggregate classification (germline): Uncertain significance (1 of 4 stars; one submission).

gnomAD v4.1: 12 of 1,613,978 alleles (0.00074%); highest among the groups gnomAD compares: Admixed American, 0.02%; no homozygotes.

Submission:

Labcorp Genetics (formerly Invitae), Labcorp
Classification: Uncertain significance. Last evaluated: 2024-06-26. Review status: criteria provided, single submitter. Criteria: Invitae Variant Classification Sherloc (09022015). Collection method: clinical testing. Allele origin: germline.
Comment: This sequence change replaces proline, which is neutral and non-polar, with serine, which is neutral and polar, at codon 1211 of the TTBK2 protein (p.Pro1211Ser). This variant is present in population databases (rs759930908, gnomAD 0.02%). This variant has not been reported in the literature in individuals affected with TTBK2-related conditions. An algorithm developed to predict the effect of missense changes on protein structure and function (PolyPhen-2) suggests that this variant is likely to be tolerated. In summary, the available evidence is currently insufficient to determine the role of this variant in disease. Therefore, it has been classified as a Variant of Uncertain Significance.